The following is an entry in ClinVar:

ClinVar aggregate classification (germline): Conflicting classifications of pathogenicity. Review status: criteria provided, conflicting classifications (1 of 4 stars). 4 submissions from 4 submitters: Uncertain significance (1); Likely benign (3). Last evaluated 2026-02-03.

Conditions:
Tumor predisposition syndrome 3 (TPDS3). Also called: Glioma susceptibility 9; LONG TELOMERE SYNDROME, POT1-RELATED; POT1 Tumor Predisposition; Melanoma, cutaneous malignant, susceptibility to, 10. Identifiers: Orphanet 618, MedGen C4014476, MONDO:0014368, OMIM 615848.
Hereditary cancer-predisposing syndrome. Also called: Tumor predisposition; Hereditary neoplastic syndrome; Neoplastic Syndromes, Hereditary; Hereditary Cancer Syndrome. Identifiers: Orphanet 140162, MedGen C0027672, MeSH D009386, MONDO:0015356.

Allele frequency attached by ClinVar (database versions not stated): TOPMed 0.00001.
gnomAD v4.1: 9 of 1,609,592 alleles (0.00056%); highest among the groups gnomAD compares: Admixed American, 0.015%; no homozygotes.

Submissions (4):

Labcorp Genetics (formerly Invitae), Labcorp
Classification: Likely benign for Tumor predisposition syndrome 3. Last evaluated: 2026-02-03. Review status: criteria provided, single submitter. Criteria: Invitae Variant Classification Sherloc (09022015). Collection method: clinical testing. Allele origin: germline.

CeGaT Center for Human Genetics Tuebingen
Classification: Likely benign. Last evaluated: 2025-10-01. Review status: criteria provided, single submitter. Criteria: CeGaT Center For Human Genetics Tuebingen Variant Classification Criteria Version 2. Collection method: clinical testing. Allele origin: germline. Affected: yes. Observed: 1 variant allele.
Comment: POT1: BP4, BP7

Genetic Services Laboratory, University of Chicago
Classification: Uncertain significance. Last evaluated: 2018-09-20. Review status: criteria provided, single submitter. Criteria: ACMG Guidelines, 2015. Collection method: clinical testing. Allele origin: germline. Affected: no.

Ambry Genetics
Classification: Likely benign for Hereditary cancer-predisposing syndrome. Last evaluated: 2018-07-20. Review status: criteria provided, single submitter. Criteria: Ambry Variant Classification Scheme 2023. Collection method: clinical testing. Allele origin: germline.

NM_015450.3(POT1):c.1338G>T (p.Pro446=)

Gene: POT1 (protection of telomeres 1; minus strand). Cytogenetic location: 7q31.33.
Variant type: single nucleotide variant.
Coding change: c.1338G>T on transcript NM_015450.3 (MANE Select); coding-DNA position 1338, G replaced by T.
Protein change: p.Pro446=; no amino-acid change (proline 446 retained).
Molecular consequence: synonymous variant. On other transcripts: non-coding transcript variant (3).
Genome position (GRCh38, 1-based): chr7:124,841,004, C>A on the plus strand (G>T on the coding strand, the complement: POT1 is on the minus strand). VCF-style: chr7-124841004-C-A. GRCh37 (hg19) VCF-style: chr7-124481058-C-A.
Other names: c.945G>T, p.Pro315= (NM_001042594.2).
Identifiers: ClinVar variation 818975 (VCV000818975.22), dbSNP rs185651210, ClinGen allele CA457482785.